The following is an entry in ClinVar:

NM_001366686.3(SIK3):c.3339C>T (p.Ile1113=)

Gene: SIK3 (SIK family kinase 3; minus strand). Cytogenetic location: 11q23.3.
Variant type: single nucleotide variant.
Coding change: c.3339C>T on transcript NM_001366686.3 (MANE Select); coding-DNA position 3339, C replaced by T.
Protein change: p.Ile1113=; no amino-acid change (isoleucine 1113 retained).
Molecular consequence: synonymous variant.
Genome position (GRCh38, 1-based): chr11:116,858,126, G>A on the plus strand (C>T on the coding strand, the complement: SIK3 is on the minus strand). VCF-style: chr11-116858126-G-A. GRCh37 (hg19) VCF-style: chr11-116728842-G-A.
Other names: c.2538C>T, p.Ile846= (NM_001281748.3); c.3015C>T, p.Ile1005= (NM_001281749.3); c.3195C>T, p.Ile1065= (NM_025164.6).
Identifiers: ClinVar variation 3038832 (VCV003038832.3), dbSNP rs56161061, ClinGen allele CA6290182.

ClinVar aggregate classification (germline): Likely benign. Review status: criteria provided, single submitter (1 of 4 stars). 2 submissions from 2 submitters: Likely benign (1). 1 of the submissions does not count toward it. Last evaluated 2024-11-22.

Conditions:
SIK3-related disorder. Also called: SIK3-related condition.

Allele frequency attached by ClinVar (database versions not stated): gnomAD exomes 0.00023; gnomAD 0.00025; TOPMed 0.00034; ExAC 0.00053; 1000 Genomes Project 30x 0.00172; 1000 Genomes Project 0.00180.
gnomAD v4.1: 378 of 1,614,168 alleles (0.023%); highest among the groups gnomAD compares: East Asian, 0.53%; 3 homozygotes.

Submissions (2):

Blueprint Genetics
Classification: Likely benign. Last evaluated: 2024-11-22. Review status: criteria provided, single submitter. Criteria: ACMG Guidelines, 2015. Collection method: clinical testing. Allele origin: germline.

PreventionGenetics, part of Exact Sciences
Classification: Benign for SIK3-related condition. Last evaluated: 2019-10-28. Review status: no assertion criteria provided. Collection method: clinical testing. Allele origin: germline. Not counted in ClinVar's aggregate classification.
Comment: This variant is classified as benign based on ACMG/AMP sequence variant interpretation guidelines (Richards et al. 2015 PMID: 25741868, with internal and published modifications).